The following is an entry in ClinVar:

NM_004463.3(FGD1):c.917C>G (p.Pro306Arg)

Gene: FGD1 (FYVE, RhoGEF and PH domain containing 1; minus strand). Cytogenetic location: Xp11.22.
Variant type: single nucleotide variant.
Coding change: c.917C>G on transcript NM_004463.3 (MANE Select); coding-DNA position 917, C replaced by G.
Protein change: p.Pro306Arg; replaces proline 306 with arginine.
Molecular consequence: missense variant.
Genome position (GRCh38, 1-based): chrX:54,470,200, G>C on the plus strand (C>G on the coding strand, the complement: FGD1 is on the minus strand). VCF-style: chrX-54470200-G-C. GRCh37 (hg19) VCF-style: chrX-54496633-G-C.
Other names: short protein forms P306R.
Identifiers: ClinVar variation 546211 (VCV000546211.6), dbSNP rs768047002, ClinGen allele CA10425197.
Genomic context (GRCh38, chrX:54,470,200, plus strand): 5'-TCGGCCAAGGCAACAGGCACACTAGCCAGGGCAGGGGGCCCAGGGCAGAGGCTGTGGCTG[G>C]GGGGCCCGTCATCACTGACGAAGCAGGTCTCCTCGCTGTTGGATGGCGAGCTGATGCTAT-3'
Protein context (NP_004454.2, residues 296-316): ETCFVSDDGP[Pro306Arg]SHSLCPGPPA

ClinVar aggregate classification (germline): Benign/Likely benign. Review status: criteria provided, multiple submitters, no conflicts (2 of 4 stars). 2 submissions from 2 submitters: Benign (1); Likely benign (1). Last evaluated 2024-11-26.

Allele frequency attached by ClinVar (database versions not stated): gnomAD 0.00001; gnomAD exomes 0.00001 and 0.00002; ExAC 0.00002; TOPMed 0.00002.
gnomAD v4.1: 10 of 1,206,391 alleles (0.00083%); highest among the groups gnomAD compares: Non-Finnish European, 0.00078%; no homozygotes.

Submissions (2):

Labcorp Genetics (formerly Invitae), Labcorp
Classification: Benign. Last evaluated: 2024-11-26. Review status: criteria provided, single submitter. Criteria: Invitae Variant Classification Sherloc (09022015). Collection method: clinical testing. Allele origin: germline.

GeneDx
Classification: Likely benign. Last evaluated: 2020-11-18. Review status: criteria provided, single submitter. Criteria: GeneDx Variant Classification Process June 2021. Collection method: clinical testing. Allele origin: germline. Affected: yes.
Comment: In silico analysis supports that this missense variant does not alter protein structure/function; Has not been previously published as pathogenic or benign to our knowledge